The following is an entry in ClinVar:

ClinVar aggregate classification (germline): Uncertain significance (1 of 4 stars; one submission).

Conditions:
Cardiovascular phenotype. Identifiers: MedGen CN230736.

Allele frequency attached by ClinVar (database versions not stated): gnomAD exomes below 0.00001.
gnomAD v4.1: 1 of 1,614,150 alleles (0.000062%); highest among the groups gnomAD compares: Non-Finnish European, 0.000085%; no homozygotes.

Submission:

Ambry Genetics
Classification: Uncertain significance for Cardiovascular phenotype. Last evaluated: 2025-06-22. Review status: criteria provided, single submitter. Criteria: Ambry Variant Classification Scheme 2023. Collection method: clinical testing. Allele origin: germline.
Comment: The p.V102A variant (also known as c.305T>C), located in coding exon 3 of the LDB3 gene, results from a T to C substitution at nucleotide position 305. The valine at codon 102 is replaced by alanine, an amino acid with similar properties. This amino acid position is conserved. In addition, the in silico prediction for this alteration is inconclusive. Since supporting evidence is limited at this time, the clinical significance of this alteration remains unclear.

NM_007078.3(LDB3):c.305T>C (p.Val102Ala)

Gene: LDB3 (LIM domain binding 3; plus strand). Cytogenetic location: 10q23.2.
Variant type: single nucleotide variant.
Coding change: c.305T>C on transcript NM_007078.3 (MANE Select); coding-DNA position 305, T replaced by C.
Protein change: p.Val102Ala; replaces valine 102 with alanine.
Molecular consequence: missense variant.
Genome position (GRCh38, 1-based): chr10:86,680,141, T>C. VCF-style: chr10-86680141-T-C. GRCh37 (hg19) VCF-style: chr10-88439898-T-C.
Other names: c.305T>C, p.Val102Ala (NM_001080114.2, NM_001080115.2, NM_001080116.1 and 8 more transcripts); short protein forms V102A.
Identifiers: ClinVar variation 1799360 (VCV001799360.3), dbSNP rs2492573462, ClinGen allele CA377452426.